The following is an entry in ClinVar:

ClinVar aggregate classification (germline): Uncertain significance (1 of 4 stars; one submission).

Conditions:
KBG syndrome (KBGS). Also called: ANKRD11-Related KBG Syndrome. Identifiers: Orphanet 2332, MedGen C0220687, MONDO:0007846, OMIM 148050.

Allele frequency attached by ClinVar (database versions not stated): gnomAD exomes below 0.00001; gnomAD 0.00001.
gnomAD v4.1: 5 of 1,613,464 alleles (0.00031%); highest among the groups gnomAD compares: Non-Finnish European, 0.00042%; no homozygotes.

Submission:

Victorian Clinical Genetics Services, Murdoch Childrens Research Institute
Classification: Uncertain significance for KBG syndrome. Last evaluated: 2019-08-28. Review status: criteria provided, single submitter. Criteria: ACMG Guidelines, 2015. Collection method: clinical testing. Allele origin: germline. Inheritance: Autosomal dominant inheritance. Affected: yes.
Comment: A heterozygous missense variant was identified, NM_013275.5(ANKRD11):c.3796A>C in exon 9 of 13 of the ANKRD11 gene. This substitution is predicted to create a minor amino acid change from lysine to glutamine at position 1266 of the protein, NP_037407.4(ANKRD11):p.(Lys1266Gln). The lysine at this position has low conservation (100 vertebrates, UCSC), and is not situated in a known functional domain. In silico software predictions of the pathogenicity of this variant are conflicting (PolyPhen, SIFT, CADD, MutationTaster). The variant is not present in the gnomAD population database. The variant has not previously been reported in clinical cases. Based on information available at the time of curation, this variant has been classified as a VARIANT of UNCERTAIN SIGNIFICANCE (VUS) with LOW CLINICAL RELEVANCE.

NM_013275.6(ANKRD11):c.3796A>C (p.Lys1266Gln)

Gene: ANKRD11 (ankyrin repeat domain 11; minus strand). Cytogenetic location: 16q24.3.
Variant type: single nucleotide variant.
Coding change: c.3796A>C on transcript NM_013275.6 (MANE Select); coding-DNA position 3796, A replaced by C.
Protein change: p.Lys1266Gln; replaces lysine 1266 with glutamine.
Molecular consequence: missense variant.
Genome position (GRCh38, 1-based): chr16:89,282,746, T>G on the plus strand (A>C on the coding strand, the complement: ANKRD11 is on the minus strand). VCF-style: chr16-89282746-T-G. GRCh37 (hg19) VCF-style: chr16-89349154-T-G.
Other names: c.3796A>C, p.Lys1266Gln (NM_001256182.2, NM_001256183.2); short protein forms K1266Q.
Identifiers: ClinVar variation 1805251 (VCV001805251.1), dbSNP rs1224432066, ClinGen allele CA397158980.